The following is an entry in ClinVar:

ClinVar aggregate classification (germline): Uncertain significance (1 of 4 stars; one submission).

Conditions:
Autosomal recessive ataxia, Beauce type. Also called: SYNE1-Related Autosomal Recessive Cerebellar Ataxia; Spinocerebellar ataxia, autosomal recessive 8; ATAXIA, RECESSIVE, OF BEAUCE; SYNE1 Deficiency. Identifiers: Orphanet 88644, MedGen C1853116, MONDO:0012549, OMIM 610743.
Emery-Dreifuss muscular dystrophy 4, autosomal dominant (EDMD4). Also called: EMERY-DREIFUSS MUSCULAR DYSTROPHY 4 WITH VARIABLE FEATURES. Identifiers: Orphanet 261, MedGen C2751807, MONDO:0013071, OMIM 612998.

Submission:

Labcorp Genetics (formerly Invitae), Labcorp
Classification: Uncertain significance for Emery-Dreifuss muscular dystrophy 4, autosomal dominant; Autosomal recessive ataxia, Beauce type. Last evaluated: 2024-07-29. Review status: criteria provided, single submitter. Criteria: Invitae Variant Classification Sherloc (09022015). Collection method: clinical testing. Allele origin: germline.
Comment: This sequence change replaces alanine, which is neutral and non-polar, with threonine, which is neutral and polar, at codon 2408 of the SYNE1 protein (p.Ala2408Thr). This variant is not present in population databases (gnomAD no frequency). This variant has not been reported in the literature in individuals affected with SYNE1-related conditions. ClinVar contains an entry for this variant (Variation ID: 1478095). An algorithm developed to predict the effect of missense changes on protein structure and function outputs the following: PolyPhen-2: "Benign". The threonine amino acid residue is found in multiple mammalian species, which suggests that this missense change does not adversely affect protein function. In summary, the available evidence is currently insufficient to determine the role of this variant in disease. Therefore, it has been classified as a Variant of Uncertain Significance.

NM_182961.4(SYNE1):c.7201G>A (p.Ala2401Thr)

Gene: SYNE1 (spectrin repeat containing nuclear envelope protein 1; minus strand). Cytogenetic location: 6q25.2.
Variant type: single nucleotide variant.
Coding change: c.7201G>A on transcript NM_182961.4 (MANE Select); coding-DNA position 7201, G replaced by A.
Protein change: p.Ala2401Thr; replaces alanine 2401 with threonine.
Molecular consequence: missense variant.
Genome position (GRCh38, 1-based): chr6:152,399,652, C>T on the plus strand (G>A on the coding strand, the complement: SYNE1 is on the minus strand). VCF-style: chr6-152399652-C-T. GRCh37 (hg19) VCF-style: chr6-152720787-C-T.
Other names: c.7222G>A, p.Ala2408Thr (NM_033071.5); short protein forms A2401T, A2408T.
Identifiers: ClinVar variation 1478095 (VCV001478095.8), dbSNP rs780924006, ClinGen allele CA366117457.
Genomic context (GRCh38, chr6:152,399,652, plus strand): 5'-ATGCTAAGGCCCCTCAGAACTCACCACTGAAGTGTTTTTCCAGAGATTCCTGCAGGCTGG[C>T]CTGGGTTTTGGAGCACAACTGGCTCACGGCTTCATGTTTCTTTATCAGACCAGTCATTGC-3'
Protein context (NP_892006.3, residues 2391-2411): AVSQLCSKTQ[Ala2401Thr]SLQESLEKHF